The following is an entry in ClinVar:

ClinVar aggregate classification (germline): Uncertain significance (0 of 4 stars; one submission).

Conditions:
Prostate cancer. Also called: Malignant tumor of prostate. Identifiers: Orphanet 1331, MedGen C0376358, MONDO:0008315, HP:0012125.

Allele frequency attached by ClinVar (database versions not stated): ExAC 0.00001; TOPMed 0.00002; 1000 Genomes Project 30x 0.00031; gnomAD exomes below 0.00001; gnomAD 0.00001; 1000 Genomes Project 0.00020.
gnomAD v4.1: 5 of 1,613,658 alleles (0.00031%); highest among the groups gnomAD compares: African/African-American, 0.0027%; no homozygotes.

Submission:

Science for Life laboratory,  Karolinska Institutet
Classification: Uncertain significance for Malignant tumor of prostate. Review status: no assertion criteria provided. Collection method: not provided. Allele origin: somatic.
Comment: TumorID:SWE-19
ClinVar note: Converted during submission from Unknown to Uncertain significance.

NM_173536.4(GABRG1):c.32C>T (p.Pro11Leu)

Gene: GABRG1 (gamma-aminobutyric acid type A receptor subunit gamma1; minus strand). Cytogenetic location: 4p12.
Variant type: single nucleotide variant.
Coding change: c.32C>T on transcript NM_173536.4 (MANE Select); coding-DNA position 32, C replaced by T.
Protein change: p.Pro11Leu; replaces proline 11 with leucine.
Molecular consequence: missense variant.
Genome position (GRCh38, 1-based): chr4:46,123,882, G>A on the plus strand (C>T on the coding strand, the complement: GABRG1 is on the minus strand). VCF-style: chr4-46123882-G-A. GRCh37 (hg19) VCF-style: chr4-46125899-G-A.
Other names: short protein forms P11L.
Identifiers: ClinVar variation 161829 (VCV000161829.2), dbSNP rs193920916, ClinGen allele CA174865.
Genomic context (GRCh38, chr4:46,123,882, plus strand): 5'-TGCAGGGTCAGTAACAAGAAGACCAACCTCACCCCTCTACTTTGACTCCGCAGAAGAAAA[G>A]GGGAGAAGAGAAAAGCTTTCAAAGGACCCATCGGAATCGCTTTTTTACGTGTGCTGCACT-3'
Protein context (NP_775807.2, residues 1-21): MGPLKAFLFS[Pro11Leu]FLLRSQSRGV